The following is an entry in ClinVar:

NM_013447.4(ADGRE2):c.1216T>C (p.Ser406Pro)

Gene: ADGRE2 (adhesion G protein-coupled receptor E2; minus strand). Cytogenetic location: 19p13.12.
Variant type: single nucleotide variant.
Coding change: c.1216T>C on transcript NM_013447.4 (MANE Select); coding-DNA position 1216, T replaced by C.
Protein change: p.Ser406Pro; replaces serine 406 with proline.
Molecular consequence: missense variant.
Genome position (GRCh38, 1-based): chr19:14,755,854, A>G on the plus strand (T>C on the coding strand, the complement: ADGRE2 is on the minus strand). VCF-style: chr19-14755854-A-G. GRCh37 (hg19) VCF-style: chr19-14866666-A-G.
Other names: c.1216T>C, p.Ser406Pro (NM_001271052.1); c.1069T>C, p.Ser357Pro (NM_152916.2); c.937T>C, p.Ser313Pro (NM_152917.2); short protein forms S313P, S406P, S357P.
Identifiers: ClinVar variation 4704120 (VCV004704120.1).

ClinVar aggregate classification (germline): Uncertain significance (1 of 4 stars; one submission).

Submission:

Labcorp Genetics (formerly Invitae), Labcorp
Classification: Uncertain significance. Last evaluated: 2025-11-06. Review status: criteria provided, single submitter. Criteria: Invitae Variant Classification Sherloc (09022015). Collection method: clinical testing. Allele origin: germline.
Comment: This sequence change replaces serine, which is neutral and polar, with proline, which is neutral and non-polar, at codon 406 of the ADGRE2 protein (p.Ser406Pro). This variant is not present in population databases (gnomAD no frequency). This variant has not been reported in the literature in individuals affected with ADGRE2-related conditions. An algorithm developed to predict the effect of missense changes on protein structure and function (PolyPhen-2) suggests that this variant is likely to be disruptive. In summary, the available evidence is currently insufficient to determine the role of this variant in disease. Therefore, it has been classified as a Variant of Uncertain Significance.